The following is an entry in ClinVar:

ClinVar aggregate classification (germline): Uncertain significance (1 of 4 stars; one submission).

Conditions:
Arrhythmogenic right ventricular cardiomyopathy (ARVD). Also called: Arrhythmogenic right ventricular dysplasia; Cardiomyopathy, ARVC; Arrhythmogenic cardiomyopathy; Arrhythmogenic Right Ventricular Cardiomyopathy (ARVC). Identifiers: Orphanet 247, MedGen C0349788, MeSH D019571, MONDO:0016587. Disease mechanism: loss of function. Inheritance: Various modes of inheritance.

gnomAD v4.1: 1 of 1,547,212 alleles (0.000065%); highest among the groups gnomAD compares: Non-Finnish European, 0.000087%; no homozygotes.

Submission:

All of Us Research Program, National Institutes of Health
Classification: Uncertain significance for Arrhythmogenic right ventricular cardiomyopathy. Last evaluated: 2023-05-04. Review status: criteria provided, single submitter. Criteria: ACMG Guidelines, 2015. Collection method: clinical testing. Allele origin: germline. Inheritance: Autosomal dominant inheritance. Observed: 1 variant allele, 1 heterozygote.
Comment: This missense variant replaces glutamine with glutamic acid at codon 19 of the PKP2 protein. Computational prediction suggests that this variant may not impact protein structure and function (internally defined REVEL score threshold <= 0.5, PMID: 27666373). To our knowledge, functional studies have not been reported for this variant. This variant has not been reported in individuals affected with PKP2-related disorders in the literature. This variant has not been identified in the general population by the Genome Aggregation Database (gnomAD). The available evidence is insufficient to determine the role of this variant in disease conclusively. Therefore, this variant is classified as a Variant of Uncertain Significance.

This study involves interpretation of variants in research participants for the purpose of population health screening. Participant phenotype was not available at the time of variant classification. Additional details can be found in publication PMID: 35346344, PMCID: PMC8962531

NM_001005242.3(PKP2):c.55C>G (p.Gln19Glu)

Gene: PKP2 (plakophilin 2; minus strand). Cytogenetic location: 12p11.21.
Variant type: single nucleotide variant.
Coding change: c.55C>G on transcript NM_001005242.3 (MANE Select); coding-DNA position 55, C replaced by G.
Protein change: p.Gln19Glu; replaces glutamine 19 with glutamic acid.
Molecular consequence: missense variant. On other transcripts: 5 prime UTR variant (4).
Genome position (GRCh38, 1-based): chr12:32,896,677, G>C on the plus strand (C>G on the coding strand, the complement: PKP2 is on the minus strand). VCF-style: chr12-32896677-G-C. GRCh37 (hg19) VCF-style: chr12-33049611-G-C.
Other names: c.55C>G, p.Gln19Glu (NM_001407155.1, NM_001407156.1, NM_001407157.1 and 2 more transcripts); c.-772C>G (NM_001407158.1, NM_001407162.1); c.-536C>G (NM_001407159.1, NM_001407160.1); short protein forms Q19E.
Identifiers: ClinVar variation 3070705 (VCV003070705.1), dbSNP rs1261917007, ClinGen allele CA384371634.